The following is an entry in ClinVar:

ClinVar aggregate classification (germline): Uncertain significance. Review status: criteria provided, multiple submitters, no conflicts (2 of 4 stars). 2 submissions from 2 submitters: Uncertain significance (2). Last evaluated 2025-12-03.

Allele frequency attached by ClinVar (database versions not stated): gnomAD 0.00001; ExAC 0.00003; gnomAD exomes 0.00003.
gnomAD v4.1: 44 of 1,605,406 alleles (0.0027%); highest among the groups gnomAD compares: Middle Eastern, 0.017%; no homozygotes.

Submissions (3):

Labcorp Genetics (formerly Invitae), Labcorp
Classification: Uncertain significance. Last evaluated: 2025-12-03. Review status: criteria provided, single submitter. Criteria: Invitae Variant Classification Sherloc (09022015). Collection method: clinical testing. Allele origin: germline.
Comment: This sequence change replaces arginine, which is basic and polar, with glutamine, which is neutral and polar, at codon 780 of the DNA2 protein (p.Arg780Gln). This variant is present in population databases (rs774303899, gnomAD 0.01%). This variant has not been reported in the literature in individuals affected with DNA2-related conditions. ClinVar contains an entry for this variant (Variation ID: 1308299). Invitae Evidence Modeling of protein sequence and biophysical properties (such as structural, functional, and spatial information, amino acid conservation, physicochemical variation, residue mobility, and thermodynamic stability) indicates that this missense variant is not expected to disrupt DNA2 protein function with a negative predictive value of 80%. Algorithms developed to predict the effect of sequence changes on RNA splicing suggest that this variant may disrupt the consensus splice site. In summary, the available evidence is currently insufficient to determine the role of this variant in disease. Therefore, it has been classified as a Variant of Uncertain Significance.

GeneDx
Classification: Uncertain significance. Last evaluated: 2019-03-26. Review status: criteria provided, single submitter. Criteria: GeneDx Variant Classification Process June 2021. Collection method: clinical testing. Allele origin: germline. Affected: yes.
Comment: Has not been previously published as pathogenic or benign to our knowledge; In silico analysis, which includes protein predictors and evolutionary conservation, supports that this variant does not alter protein structure/function; Not observed at a significant frequency in large population cohorts (Lek et al., 2016)

Dr. Peter K. Rogan Lab, Western University
No classification provided (evidence only). Condition: Familial cancer of breast. Review status: no classification provided. Collection method: in vitro. Allele origin: not applicable. Functional consequence: retained intron. Not counted in ClinVar's aggregate classification.

NM_001080449.3(DNA2):c.2339G>A (p.Arg780Gln)

Gene: DNA2 (DNA replication helicase/nuclease 2; minus strand). Cytogenetic location: 10q21.3.
Variant type: single nucleotide variant.
Coding change: c.2339G>A on transcript NM_001080449.3 (MANE Select); coding-DNA position 2339, G replaced by A.
Protein change: p.Arg780Gln; replaces arginine 780 with glutamine.
Molecular consequence: missense variant. On other transcripts: non-coding transcript variant (1).
Genome position (GRCh38, 1-based): chr10:68,422,760, C>T on the plus strand (G>A on the coding strand, the complement: DNA2 is on the minus strand). VCF-style: chr10-68422760-C-T. GRCh37 (hg19) VCF-style: chr10-70182517-C-T.
Other names: short protein forms R780Q.
Identifiers: ClinVar variation 1308299 (VCV001308299.8), dbSNP rs774303899, ClinGen allele CA5524846.